The following is an entry in ClinVar:

NM_138701.4(MPLKIP):c.155C>A (p.Pro52Gln)

Genes: MPLKIP (M-phase specific PLK1 interacting protein; minus strand), LOC129998295 (ATAC-STARR-seq lymphoblastoid silent region 18117; plus strand). Cytogenetic location: 7p14.1.
Variant type: single nucleotide variant.
Coding change: c.155C>A on transcript NM_138701.4 (MANE Select); coding-DNA position 155, C replaced by A.
Protein change: p.Pro52Gln; replaces proline 52 with glutamine.
Molecular consequence: missense variant.
Genome position (GRCh38, 1-based): chr7:40,134,413, G>T on the plus strand (C>A on the coding strand, the complement: MPLKIP is on the minus strand). VCF-style: chr7-40134413-G-T. GRCh37 (hg19) VCF-style: chr7-40174012-G-T.
Other names: short protein forms P52Q.
Identifiers: ClinVar variation 2042702 (VCV002042702.3), dbSNP rs1219522419, ClinGen allele CA367308471.
Genomic context (GRCh38, chr7:40,134,413, plus strand): 5'-CTGCCGCCGTGTCGCGGAGAGTGACTGCTCCCGTACGGCCTAGACCGGGGCCCGTACGGC[G>T]GCGTGTGGTGCGGACTCCCGTACCCGTCTCGAGGGGAGGGCGGCCGTGGTCCGCCCCCGC-3'
Protein context (NP_619646.1, residues 42-62): RDGYGSPHHT[Pro52Gln]PYGPRSRPYG

ClinVar aggregate classification (germline): Uncertain significance (1 of 4 stars; one submission).

Submission:

Labcorp Genetics (formerly Invitae), Labcorp
Classification: Uncertain significance. Last evaluated: 2021-12-14. Review status: criteria provided, single submitter. Criteria: Invitae Variant Classification Sherloc (09022015). Collection method: clinical testing. Allele origin: germline.
Comment: In summary, the available evidence is currently insufficient to determine the role of this variant in disease. Therefore, it has been classified as a Variant of Uncertain Significance. Algorithms developed to predict the effect of sequence changes on RNA splicing suggest that this variant may create or strengthen a splice site. Algorithms developed to predict the effect of missense changes on protein structure and function (SIFT, PolyPhen-2, Align-GVGD) all suggest that this variant is likely to be disruptive. This variant has not been reported in the literature in individuals affected with MPLKIP-related conditions. This variant is not present in population databases (gnomAD no frequency). This sequence change replaces proline, which is neutral and non-polar, with glutamine, which is neutral and polar, at codon 52 of the MPLKIP protein (p.Pro52Gln).